The following is an entry in ClinVar:

ClinVar aggregate classification (germline): Uncertain significance (1 of 4 stars; one submission).

Submission:

Ambry Genetics
Classification: Uncertain significance. Last evaluated: 2025-10-14. Review status: criteria provided, single submitter. Criteria: Ambry Variant Classification Scheme 2023. Collection method: clinical testing. Allele origin: germline.
Comment: The p.M181V variant (also known as c.541A>G), located in coding exon 1 of the MLH3 gene, results from an A to G substitution at nucleotide position 541. The methionine at codon 181 is replaced by valine, an amino acid with highly similar properties. This amino acid position is conserved. In addition, the in silico prediction for this alteration is inconclusive. Based on the available evidence, the clinical significance of this variant remains unclear.

NM_001040108.2(MLH3):c.541A>G (p.Met181Val)

Gene: MLH3 (mutL homolog 3; minus strand). Cytogenetic location: 14q24.3.
Variant type: single nucleotide variant.
Coding change: c.541A>G on transcript NM_001040108.2 (MANE Select); coding-DNA position 541, A replaced by G.
Protein change: p.Met181Val; replaces methionine 181 with valine.
Molecular consequence: missense variant.
Genome position (GRCh38, 1-based): chr14:75,049,115, T>C on the plus strand (A>G on the coding strand, the complement: MLH3 is on the minus strand). VCF-style: chr14-75049115-T-C. GRCh37 (hg19) VCF-style: chr14-75515818-T-C.
Other names: c.541A>G, p.Met181Val (NM_014381.3); short protein forms M181V.
Identifiers: ClinVar variation 4552092 (VCV004552092.1).